The following is an entry in ClinVar:

ClinVar aggregate classification (germline): Likely benign (1 of 4 stars; one submission).

Conditions:
ADRA2A-related disorder. Also called: ADRA2A-related condition.

gnomAD v4.1: 46 of 1,613,966 alleles (0.0029%); highest among the groups gnomAD compares: African/African-American, 0.036%; 1 homozygote.

Submission:

PreventionGenetics, part of Exact Sciences
Classification: Likely benign for ADRA2A-related condition. Last evaluated: 2025-02-28. Review status: criteria provided, single submitter. Criteria: ACMG Guidelines, 2015. Collection method: clinical testing. Allele origin: germline.
Comment: This variant is classified as likely benign based on ACMG/AMP sequence variant interpretation guidelines (Richards et al. 2015 PMID: 25741868, with internal and published modifications).

NM_000681.4(ADRA2A):c.1293C>T (p.Tyr431=)

Gene: ADRA2A (adrenoceptor alpha 2A; plus strand). Cytogenetic location: 10q25.2.
Variant type: single nucleotide variant.
Coding change: c.1293C>T on transcript NM_000681.4 (MANE Select); coding-DNA position 1293, C replaced by T.
Protein change: p.Tyr431=; no amino-acid change (tyrosine 431 retained).
Molecular consequence: synonymous variant.
Genome position (GRCh38, 1-based): chr10:111,079,289, C>T. VCF-style: chr10-111079289-C-T. GRCh37 (hg19) VCF-style: chr10-112839047-C-T.
Identifiers: ClinVar variation 4981331 (VCV004981331.1).
Genomic context (GRCh38, chr10:111,079,289, plus strand): 5'-CACGGCCGTCGGGTGCTCCGTGCCACGCACGCTCTTCAAATTCTTCTTCTGGTTCGGCTA[C>T]TGCAACAGCTCGTTGAACCCGGTCATCTACACCATCTTCAACCACGATTTCCGCCGCGCC-3'
Protein context (NP_000672.3, residues 421-441): TLFKFFFWFG[Tyr431=]CNSSLNPVIY